The following is an entry in ClinVar:

NM_006206.6(PDGFRA):c.178C>T (p.Pro60Ser)

Gene: PDGFRA (platelet derived growth factor receptor alpha; plus strand). Cytogenetic location: 4q12.
Variant type: single nucleotide variant.
Coding change: c.178C>T on transcript NM_006206.6 (MANE Select); coding-DNA position 178, C replaced by T.
Protein change: p.Pro60Ser; replaces proline 60 with serine.
Molecular consequence: missense variant.
Genome position (GRCh38, 1-based): chr4:54,261,223, C>T. VCF-style: chr4-54261223-C-T. GRCh37 (hg19) VCF-style: chr4-55127390-C-T.
Other names: c.178C>T, p.Pro60Ser (NM_001347827.2, NM_001347829.2); c.253C>T, p.Pro85Ser (NM_001347828.2); c.217C>T, p.Pro73Ser (NM_001347830.2); short protein forms P60S, P85S, P73S.
Identifiers: ClinVar variation 3721589 (VCV003721589.2).

ClinVar aggregate classification (germline): Uncertain significance (1 of 4 stars; one submission).

Conditions:
Gastrointestinal stromal tumor. Also called: Gastrointestinal stromal tumor, somatic; Gastrointestinal stroma tumor. Identifiers: Orphanet 44890, MedGen C0238198, MeSH D046152, MONDO:0011719, OMIM 606764, HP:0100723.

Submission:

Labcorp Genetics (formerly Invitae), Labcorp
Classification: Uncertain significance for Gastrointestinal stromal tumor. Last evaluated: 2024-09-26. Review status: criteria provided, single submitter. Criteria: Invitae Variant Classification Sherloc (09022015). Collection method: clinical testing. Allele origin: germline.
Comment: This sequence change replaces proline, which is neutral and non-polar, with serine, which is neutral and polar, at codon 60 of the PDGFRA protein (p.Pro60Ser). This variant is not present in population databases (gnomAD no frequency). This variant has not been reported in the literature in individuals affected with PDGFRA-related conditions. An algorithm developed to predict the effect of missense changes on protein structure and function (PolyPhen-2) suggests that this variant is likely to be disruptive. In summary, the available evidence is currently insufficient to determine the role of this variant in disease. Therefore, it has been classified as a Variant of Uncertain Significance.